The following is an entry in ClinVar:

ClinVar aggregate classification (germline): Uncertain significance (1 of 4 stars; one submission).

Conditions:
Hereditary spastic paraplegia 73. Also called: Spastic paraplegia 73, autosomal dominant. Identifiers: Orphanet 444099, MedGen C5568981, MONDO:0014568, OMIM 616282.

Allele frequency attached by ClinVar (database versions not stated): gnomAD exomes below 0.00001; ExAC 0.00001; gnomAD 0.00001; TOPMed 0.00001.
gnomAD v4.1: 3 of 1,608,202 alleles (0.00019%); highest among the groups gnomAD compares: Middle Eastern, 0.016%; no homozygotes.

Submission:

Labcorp Genetics (formerly Invitae), Labcorp
Classification: Uncertain significance for Hereditary spastic paraplegia 73. Last evaluated: 2022-08-23. Review status: criteria provided, single submitter. Criteria: Invitae Variant Classification Sherloc (09022015). Collection method: clinical testing. Allele origin: germline.
Comment: In summary, the available evidence is currently insufficient to determine the role of this variant in disease. Therefore, it has been classified as a Variant of Uncertain Significance. Algorithms developed to predict the effect of missense changes on protein structure and function output the following: SIFT: "Tolerated"; PolyPhen-2: "Benign"; Align-GVGD: "Class C0". The methionine amino acid residue is found in multiple mammalian species, which suggests that this missense change does not adversely affect protein function. This variant has not been reported in the literature in individuals affected with CPT1C-related conditions. This variant is present in population databases (rs781144968, gnomAD 0.0009%). This sequence change replaces isoleucine, which is neutral and non-polar, with methionine, which is neutral and non-polar, at codon 299 of the CPT1C protein (p.Ile299Met).

NM_001199753.2(CPT1C):c.930C>G (p.Ile310Met)

Gene: CPT1C (carnitine palmitoyltransferase 1C; plus strand). Cytogenetic location: 19q13.33.
Variant type: single nucleotide variant.
Coding change: c.930C>G on transcript NM_001199753.2 (MANE Select); coding-DNA position 930, C replaced by G.
Protein change: p.Ile310Met; replaces isoleucine 310 with methionine.
Molecular consequence: missense variant. On other transcripts: non-coding transcript variant (1).
Genome position (GRCh38, 1-based): chr19:49,705,264, C>G. VCF-style: chr19-49705264-C-G. GRCh37 (hg19) VCF-style: chr19-50208521-C-G.
Other names: c.897C>G, p.Ile299Met (NM_001136052.3, NM_001378485.1, NM_001378487.1); c.930C>G, p.Ile310Met (NM_001199752.3, NM_001378483.1, NM_001378484.1 and 3 more transcripts); c.996C>G, p.Ile332Met (NM_001378482.1); short protein forms I310M, I332M, I299M.
Identifiers: ClinVar variation 2163281 (VCV002163281.4), dbSNP rs781144968, ClinGen allele CA9582014.